The following is an entry in ClinVar:

ClinVar aggregate classification (germline): Uncertain significance (1 of 4 stars; one submission).

Conditions:
Polyglucosan body myopathy type 1 (PGBM1). Also called: Polyglucosan body myopathy 1 with or without immunodeficiency; POLYGLUCOSAN BODY MYOPATHY WITHOUT IMMUNODEFICIENCY. Identifiers: Orphanet 329173, Orphanet 397937, MedGen C4014605, MONDO:0014389, OMIM 615895.

Allele frequency attached by ClinVar (database versions not stated): gnomAD exomes below 0.00001.
gnomAD v4.1: 1 of 1,552,134 alleles (0.000064%); highest among the groups gnomAD compares: African/African-American, 0.0014%; no homozygotes.

Submission:

Labcorp Genetics (formerly Invitae), Labcorp
Classification: Uncertain significance for Polyglucosan body myopathy type 1. Last evaluated: 2021-02-03. Review status: criteria provided, single submitter. Criteria: Invitae Variant Classification Sherloc (09022015). Collection method: clinical testing. Allele origin: germline.
Comment: In summary, the available evidence is currently insufficient to determine the role of this variant in disease. Therefore, it has been classified as a Variant of Uncertain Significance. Algorithms developed to predict the effect of missense changes on protein structure and function are either unavailable or do not agree on the potential impact of this missense change (SIFT: "Not Available"; PolyPhen-2: "Possibly Damaging"; Align-GVGD: "Not Available"). This variant has not been reported in the literature in individuals with RBCK1-related conditions. This variant is not present in population databases (ExAC no frequency). This sequence change replaces glutamine with histidine at codon 255 of the RBCK1 protein (p.Gln255His). The glutamine residue is highly conserved and there is a small physicochemical difference between glutamine and histidine.

NM_031229.4(RBCK1):c.765G>C (p.Gln255His)

Gene: RBCK1 (RANBP2-type and C3HC4-type zinc finger containing 1; plus strand). Cytogenetic location: 20p13.
Variant type: single nucleotide variant.
Coding change: c.765G>C on transcript NM_031229.4 (MANE Select); coding-DNA position 765, G replaced by C.
Protein change: p.Gln255His; replaces glutamine 255 with histidine.
Molecular consequence: missense variant. On other transcripts: non-coding transcript variant (1), intron variant (2).
Genome position (GRCh38, 1-based): chr20:420,879, G>C. VCF-style: chr20-420879-G-C. GRCh37 (hg19) VCF-style: chr20-401523-G-C.
Other names: c.639G>C, p.Gln213His (NM_006462.6); c.407+1148G>C (NM_001323956.2, NM_001323958.2); short protein forms Q255H, Q213H.
Identifiers: ClinVar variation 1369220 (VCV001369220.6), dbSNP rs1167649288, ClinGen allele CA407927340.